The following is an entry in ClinVar:

NM_006567.5(FARS2):c.443G>A (p.Arg148Gln)

Genes: FARS2 (phenylalanyl-tRNA synthetase 2, mitochondrial; plus strand), LOC126859565 (CDK7 strongly-dependent group 2 enhancer GRCh37_chr6:5368745-5369944; plus strand). Cytogenetic location: 6p25.1.
Variant type: single nucleotide variant.
Coding change: c.443G>A on transcript NM_006567.5 (MANE Select); coding-DNA position 443, G replaced by A.
Protein change: p.Arg148Gln; replaces arginine 148 with glutamine.
Molecular consequence: missense variant. On other transcripts: intron variant (2).
Genome position (GRCh38, 1-based): chr6:5,369,013, G>A. VCF-style: chr6-5369013-G-A. GRCh37 (hg19) VCF-style: chr6-5369246-G-A.
Other names: c.443G>A, p.Arg148Gln (NM_001318872.2, NM_001374875.1, NM_001374876.1 and 5 more transcripts); c.-340-27620G>A (NM_001375260.1); c.-84-35529G>A (NM_001375259.1); c.443G>A (NM_006567.3); short protein forms R148Q.
Identifiers: ClinVar variation 1413774 (VCV001413774.6), dbSNP rs753004463, ClinGen allele CA3623645.

ClinVar aggregate classification (germline): Uncertain significance. Review status: criteria provided, multiple submitters, no conflicts (2 of 4 stars). 2 submissions from 2 submitters: Uncertain significance (2). Last evaluated 2023-01-28.

Conditions:
Combined oxidative phosphorylation defect type 14. Also called: Combined oxidative phosphorylation deficiency 14. Identifiers: Orphanet 319519, MedGen C4755312, MONDO:0013986, OMIM 614946.

Allele frequency attached by ClinVar (database versions not stated): TOPMed 0.00002; gnomAD 0.00003; gnomAD exomes 0.00001; ExAC 0.00002.
gnomAD v4.1: 12 of 1,613,876 alleles (0.00074%); highest among the groups gnomAD compares: East Asian, 0.0045%; no homozygotes.

Submissions (2):

GeneDx
Classification: Uncertain significance. Last evaluated: 2023-01-28. Review status: criteria provided, single submitter. Criteria: GeneDx Variant Classification Process June 2021. Collection method: clinical testing. Allele origin: germline. Affected: yes.
Comment: Not observed at significant frequency in large population cohorts (gnomAD); In silico analysis supports that this missense variant does not alter protein structure/function; Has not been previously published as pathogenic or benign to our knowledge

Labcorp Genetics (formerly Invitae), Labcorp
Classification: Uncertain significance for Combined oxidative phosphorylation defect type 14. Last evaluated: 2022-01-14. Review status: criteria provided, single submitter. Criteria: Invitae Variant Classification Sherloc (09022015). Collection method: clinical testing. Allele origin: germline.
Comment: This sequence change replaces arginine, which is basic and polar, with glutamine, which is neutral and polar, at codon 148 of the FARS2 protein (p.Arg148Gln). This variant is present in population databases (rs753004463, gnomAD 0.004%). This variant has not been reported in the literature in individuals affected with FARS2-related conditions. Advanced modeling of protein sequence and biophysical properties (such as structural, functional, and spatial information, amino acid conservation, physicochemical variation, residue mobility, and thermodynamic stability) performed at Invitae indicates that this missense variant is not expected to disrupt FARS2 protein function. Algorithms developed to predict the effect of sequence changes on RNA splicing suggest that this variant may create or strengthen a splice site. In summary, the available evidence is currently insufficient to determine the role of this variant in disease. Therefore, it has been classified as a Variant of Uncertain Significance.